The following is an entry in ClinVar:

NM_001042492.3(NF1):c.311T>G (p.Leu104Ter)

Gene: NF1 (neurofibromin 1; plus strand). Cytogenetic location: 17q11.2.
Variant type: single nucleotide variant.
Coding change: c.311T>G on transcript NM_001042492.3 (MANE Select); coding-DNA position 311, T replaced by G.
Protein change: p.Leu104Ter; replaces leucine 104 with a stop codon.
Molecular consequence: nonsense.
Genome position (GRCh38, 1-based): chr17:31,163,208, T>G. VCF-style: chr17-31163208-T-G. GRCh37 (hg19) VCF-style: chr17-29490226-T-G.
Other names: c.311T>G, p.Leu104Ter (NM_000267.4, NM_001128147.3); short protein forms L104*.
Identifiers: ClinVar variation 381605 (VCV000381605.11), dbSNP rs1057521097, ClinGen allele CA16607194.

ClinVar aggregate classification (germline): Pathogenic. Review status: criteria provided, multiple submitters, no conflicts (2 of 4 stars). 5 submissions from 5 submitters: Pathogenic (5). Last evaluated 2026-08-20.

Conditions:
Hereditary cancer-predisposing syndrome. Also called: Neoplastic Syndromes, Hereditary; Hereditary Cancer Syndrome; Tumor predisposition; Hereditary neoplastic syndrome. Identifiers: Orphanet 140162, MedGen C0027672, MeSH D009386, MONDO:0015356.
Cardiovascular phenotype. Identifiers: MedGen CN230736.
Neurofibromatosis, type 1 (NF1). Also called: VON RECKLINGHAUSEN DISEASE; Neurofibromatosis, type I; NEUROFIBROMATOSIS, TYPE I, SOMATIC; Peripheral type neurofibromatosis. Identifiers: Orphanet 636, MedGen C0027831, MONDO:0018975, OMIM 162200. Disease mechanism: loss of function.

Submissions (5):

Ambry Genetics
Classification: Pathogenic for Cardiovascular phenotype; Hereditary cancer-predisposing syndrome. Last evaluated: 2026-08-20. Review status: criteria provided, single submitter. Criteria: Ambry Variant Classification Scheme 2023. Collection method: clinical testing. Allele origin: germline.
Comment: The p.L104* pathogenic mutation (also known as c.311T>G), located in coding exon 4 of the NF1 gene, results from a T to G substitution at nucleotide position 311. This changes the amino acid from a leucine to a stop codon within coding exon 4. This variant was reported in individual(s) with features consistent with neurofibromatosis type 1 (Cal&igrave; F et al. Eur J Med Genet, 2017 Feb;60:93-99; Futagawa M et al. Hum Genome Var, 2024 Nov;11:42; Ambry internal data). This variant is considered to be rare based on population cohorts in the Genome Aggregation Database (gnomAD). This variant is expected to result in loss of function by premature protein truncation or nonsense-mediated mRNA decay. As such, this variant is interpreted as a disease-causing mutation.

Labcorp Genetics (formerly Invitae), Labcorp
Classification: Pathogenic for Neurofibromatosis, type 1. Last evaluated: 2025-09-07. Review status: criteria provided, single submitter. Criteria: Invitae Variant Classification Sherloc (09022015). Collection method: clinical testing. Allele origin: germline.
Comment: This sequence change creates a premature translational stop signal (p.Leu104*) in the NF1 gene. It is expected to result in an absent or disrupted protein product. Loss-of-function variants in NF1 are known to be pathogenic (PMID: 10712197, 23913538). This variant is not present in population databases (gnomAD no frequency). This premature translational stop signal has been observed in individual(s) with neurofibromatosis type 1 (PMID: 16944272, 27838393). ClinVar contains an entry for this variant (Variation ID: 381605). For these reasons, this variant has been classified as Pathogenic.

GeneDx
Classification: Pathogenic. Last evaluated: 2023-12-19. Review status: criteria provided, single submitter. Criteria: GeneDx Variant Classification Process June 2021. Collection method: clinical testing. Allele origin: germline. Affected: yes.
Comment: Nonsense variant predicted to result in protein truncation or nonsense mediated decay in a gene for which loss-of-function is a known mechanism of disease; Not observed at significant frequency in large population cohorts (gnomAD); This variant is associated with the following publications: (PMID: 22155606, 29922827, 25525159, 22250039, 19738042, 16944272, 27838393)

Genome-Nilou Lab
Classification: Pathogenic for Neurofibromatosis, type 1. Last evaluated: 2022-03-15. Review status: criteria provided, single submitter. Criteria: ACMG Guidelines, 2015. Collection method: clinical testing. Allele origin: germline. Affected: no.

3billion
Classification: Pathogenic for Neurofibromatosis, type 1. Last evaluated: 2022-01-03. Review status: criteria provided, single submitter. Criteria: ACMG Guidelines, 2015. Collection method: clinical testing. Allele origin: germline. Affected: yes. Observed: 1 heterozygote.
Comment: Stop-gained (nonsense): predicted to result in a loss or disruption of normal protein function through nonsense-mediated decay (NMD) or protein truncation. Multiple pathogenic variants are reported downstream of the variant (PVS1_VS). It is not observed in the gnomAD v2.1.1 dataset (PM2_M). The variant has been reported to be associated with NF1 related disorder (ClinVar ID: VCV000381605, PMID:16944272). Therefore, this variant is classified as pathogenic according to the recommendation of ACMG/AMP guideline.

Literature cited by the submitters: PubMed 27838393 (cited by Ambry Genetics and Labcorp Genetics (formerly Invitae), Labcorp); PubMed 39592598 (cited by Ambry Genetics); PubMed 10712197 (cited by Labcorp Genetics (formerly Invitae), Labcorp); PubMed 23913538 (cited by Labcorp Genetics (formerly Invitae), Labcorp); PubMed 16944272 (cited by Labcorp Genetics (formerly Invitae), Labcorp and 3billion).